The following is an entry in ClinVar:

ClinVar aggregate classification (germline): Uncertain significance. Review status: criteria provided, multiple submitters, no conflicts (2 of 4 stars). 2 submissions from 2 submitters: Uncertain significance (2). Last evaluated 2025-11-08.

Conditions:
Hereditary spastic paraplegia 39 (SPG39). Also called: SPASTIC PARAPLEGIA 39, AUTOSOMAL RECESSIVE; Spastic Paraplegia Type 39 (SPG39). Identifiers: Orphanet 139480, MedGen C2677586, MONDO:0012787, OMIM 612020.

Allele frequency attached by ClinVar (database versions not stated): gnomAD 0.00001; ExAC 0.00002; gnomAD exomes 0.00002 and 0.00003.

Submissions (2):

Mayo Clinic Laboratories, Mayo Clinic
Classification: Uncertain significance. Last evaluated: 2025-11-08. Review status: criteria provided, single submitter. Criteria: ACMG Guidelines, 2015. Collection method: clinical testing. Allele origin: germline. Observed: 1 variant allele.
Comment: BP4, PM2_supporting

Labcorp Genetics (formerly Invitae), Labcorp
Classification: Uncertain significance for Hereditary spastic paraplegia 39. Last evaluated: 2020-07-20. Review status: criteria provided, single submitter. Criteria: Invitae Variant Classification Sherloc (09022015). Collection method: clinical testing. Allele origin: germline.
Comment: In summary, the available evidence is currently insufficient to determine the role of this variant in disease. Therefore, it has been classified as a Variant of Uncertain Significance. Algorithms developed to predict the effect of missense changes on protein structure and function (SIFT, PolyPhen-2, Align-GVGD) all suggest that this variant is likely to be tolerated, but these predictions have not been confirmed by published functional studies and their clinical significance is uncertain. This variant has not been reported in the literature in individuals with PNPLA6-related conditions. This variant is present in population databases (rs773741175, ExAC 0.01%). This sequence change replaces phenylalanine with leucine at codon 713 of the PNPLA6 protein (p.Phe713Leu). The phenylalanine residue is highly conserved and there is a small physicochemical difference between phenylalanine and leucine.

NM_001166114.2(PNPLA6):c.2256C>A (p.Phe752Leu)

Gene: PNPLA6 (patatin like domain 6, lysophospholipase; plus strand). Cytogenetic location: 19p13.2.
Variant type: single nucleotide variant.
Coding change: c.2256C>A on transcript NM_001166114.2 (MANE Select); coding-DNA position 2256, C replaced by A.
Protein change: p.Phe752Leu; replaces phenylalanine 752 with leucine.
Molecular consequence: missense variant.
Genome position (GRCh38, 1-based): chr19:7,551,433, C>A. VCF-style: chr19-7551433-C-A. GRCh37 (hg19) VCF-style: chr19-7616319-C-A.
Other names: p.Phe713Leu; c.2283C>A, p.Phe761Leu (NM_001166111.2); c.2061C>A, p.Phe687Leu (NM_001166112.2); c.2139C>A, p.Phe713Leu (NM_001166113.1, NM_006702.5); short protein forms F687L, F713L, F752L, F761L.
Identifiers: ClinVar variation 1059161 (VCV001059161.8), dbSNP rs773741175, ClinGen allele CA9140037.